The following is an entry in ClinVar:

ClinVar aggregate classification (germline): Pathogenic (1 of 4 stars; one submission).

Conditions:
Hereditary cancer-predisposing syndrome. Also called: Neoplastic Syndromes, Hereditary; Tumor predisposition; Hereditary Cancer Syndrome; Hereditary neoplastic syndrome. Identifiers: Orphanet 140162, MedGen C0027672, MeSH D009386, MONDO:0015356.

Submission:

Ambry Genetics
Classification: Pathogenic for Hereditary cancer-predisposing syndrome. Last evaluated: 2022-01-27. Review status: criteria provided, single submitter. Criteria: Ambry Variant Classification Scheme 2023. Collection method: clinical testing. Allele origin: germline.
Comment: The c.3_13dup11 variant, located in coding exon 1 of the PMS2 gene, results from a duplication of GGAGCGAGCTG at nucleotide position 3, causing a translational frameshift with a predicted alternate stop codon (p.E5Gfs*33). This variant is considered to be rare based on population cohorts in the Genome Aggregation Database (gnomAD). This alteration is expected to result in loss of function by premature protein truncation or nonsense-mediated mRNA decay. As such, this alteration is interpreted as a disease-causing mutation.

NM_000535.7(PMS2):c.3_13dup (p.Glu5fs)

Gene: PMS2 (PMS1 homolog 2, mismatch repair system component; minus strand). Cytogenetic location: 7p22.1.
Variant type: Duplication.
Coding change: c.3_13dup on transcript NM_000535.7 (MANE Select); coding-DNA positions 3 to 13, 11 bases duplicated (GGAGCGAGCTG).
Protein change: p.Glu5fs; shifts the reading frame from glutamic acid 5.
Molecular consequence: frameshift variant, initiator codon variant. On other transcripts: 5 prime UTR variant (11), non-coding transcript variant (1).
Genome position (GRCh38, 1-based): chr7:6,009,007-6,009,017, CAGCTCGCTCC duplicated on the plus strand (GGAGCGAGCTG on the coding strand, the reverse complement: PMS2 is on the minus strand). VCF-style (leftmost placement, unchanged base first): chr7-6009006-T-TCAGCTCGCTCC. GRCh37 (hg19) VCF-style: chr7-6048637-T-TCAGCTCGCTCC.
Other names: c.-398_-388dup (NM_001406906.1, NM_001018040.1, NM_001406908.1 and 5 more transcripts); c.-350_-340dup (NM_001406907.1, NM_001406909.1, NM_001406888.1 and 1 more transcripts); c.-263_-253dup (NM_001322004.2, NM_001322010.2, NM_001406911.1); c.-593_-583dup (NM_001322005.2); c.3_13dup, p.Glu5fs (NM_001322006.2, NM_001322014.2); c.-882_-872dup (NM_001322011.2); c.-877_-867dup (NM_001322012.2); c.-73_-63dup (NM_001322008.2); and 21 more; short protein forms E5fs.
Identifiers: ClinVar variation 1798684 (VCV001798684.3), dbSNP rs2536707454, ClinGen allele CA2573129724.